The following is an entry in ClinVar:

NM_001904.4(CTNNB1):c.102_113del (p.Ile35_Gly38del)

Genes: CTNNB1 (catenin beta 1; plus strand), LOC126806658 (BRD4-independent group 4 enhancer GRCh37_chr3:41265899-41267098; plus strand). Cytogenetic location: 3p22.1.
Variant type: Deletion.
Coding change: c.102_113del on transcript NM_001904.4 (MANE Select); coding-DNA positions 102 to 113, 12 bases deleted (AATCCATTCTGG).
Protein change: p.Ile35_Gly38del.
Genome position (GRCh38, 1-based): chr3:41,224,614-41,224,625, AATCCATTCTGG deleted; deleting any 12 consecutive bases within chr3:41,224,609-41,224,625 gives the same sequence; the c. name uses the placement nearest the transcript's 3' end. VCF-style (leftmost placement, unchanged base first): chr3-41224608-CTCTGGAATCCAT-C. GRCh37 (hg19) VCF-style: chr3-41266099-CTCTGGAATCCAT-C.
Other names: c.102_113del, p.Ile35_Gly38del (NM_001098209.2, NM_001098210.2, NM_001438871.1 and 4 more transcripts); c.81_92del, p.Ile28_Gly31del (NM_001330729.2).
Identifiers: ClinVar variation 4530234 (VCV004530234.1).

ClinVar aggregate classification (somatic clinical impact): Tier I - Strong (1 of 4 stars; one submission).

Conditions:
Medulloblastoma WNT activated. Identifiers: MedGen C4331965, MONDO:0850196.

Submission:

Institute for Genomic Medicine (IGM) Clinical Laboratory, Nationwide Children's Hospital
Classification: Tier I - Strong for Medulloblastoma WNT activated. Assertion type: diagnostic. Clinical significance: supports diagnosis. Last evaluated: 2025-04-16. Review status: criteria provided, single submitter. Criteria: AMP/ASCO/CAP Guidelines, 2017. Collection method: clinical testing. Allele origin: somatic. Affected: yes.
Comment: Variant has Tier I (strong) clinical significance as a diagnostic inclusion criterion in medulloblastoma WNT activated, based on the following evidence: 1) Documented in one or more cancer databases (e.g., St. Jude Pecan, COSMIC, CIViC, OncoKB). 2) Appears in one or more well-established professional guidelines (e.g., World Health Organization [WHO]; National Comprehensive Cancer Network [NCCN]) as providing diagnostic, prognostic, or therapeutic information. 3) Information in the literature supports potential biologic effect of variant (PMIDs: 35053583, 29435196, 30699286, 9065403). 4) Diagnostic for a specific tumor type/classification according to professional guidelines (Evidence Level A; PMIDs: 21163964, 22832581, 28726821, 22832583, 16258095, 29753700).

Literature cited by the submitters: PubMed 35053583; PubMed 29435196; PubMed 30699286; PubMed 9065403; PubMed 21163964; PubMed 22832581; PubMed 28726821; PubMed 22832583; PubMed 16258095; PubMed 29753700.